The following is an entry in ClinVar:

ClinVar aggregate classification (germline): Uncertain significance (1 of 4 stars; one submission).

Conditions:
Severe combined immunodeficiency due to DNA-PKcs deficiency. Also called: IMMUNODEFICIENCY 26 WITH NEUROLOGIC ABNORMALITIES; Immunodeficiency 26 with or without neurologic abnormalities. Identifiers: Orphanet 317425, MedGen C4014833, MONDO:0014423, OMIM 615966.

Submission:

Labcorp Genetics (formerly Invitae), Labcorp
Classification: Uncertain significance for Severe combined immunodeficiency due to DNA-PKcs deficiency. Last evaluated: 2025-06-23. Review status: criteria provided, single submitter. Criteria: Invitae Variant Classification Sherloc (09022015). Collection method: clinical testing. Allele origin: germline.
Comment: This sequence change creates a premature translational stop signal (p.His693Profs*16) in the PRKDC gene. It is expected to result in an absent or disrupted protein product. However, the current clinical and genetic evidence is not sufficient to establish whether loss-of-function variants in PRKDC cause disease. This variant is not present in population databases (gnomAD no frequency). This variant has not been reported in the literature in individuals affected with PRKDC-related conditions. In summary, the available evidence is currently insufficient to determine the role of this variant in disease. Therefore, it has been classified as a Variant of Uncertain Significance.

NM_006904.7(PRKDC):c.2078del (p.His693fs)

Gene: PRKDC (protein kinase, DNA-activated, catalytic subunit; minus strand). Cytogenetic location: 8q11.21.
Variant type: Deletion.
Coding change: c.2078del on transcript NM_006904.7 (MANE Select); coding-DNA position 2078, one base deleted (A; older notation c.2078delA).
Protein change: p.His693fs; shifts the reading frame from histidine 693.
Molecular consequence: frameshift variant.
Genome position (GRCh38, 1-based): chr8:47,929,153, T deleted on the plus strand (A on the coding strand, the reverse complement: PRKDC is on the minus strand). VCF-style (leftmost placement, unchanged base first): chr8-47929152-GT-G. GRCh37 (hg19) VCF-style: chr8-48841712-GT-G.
Other names: c.2078del, p.His693fs (NM_001081640.2); short protein forms H693fs.
Identifiers: ClinVar variation 4710536 (VCV004710536.1).